The following is an entry in ClinVar:

NM_000179.3(MSH6):c.1130A>C (p.Lys377Thr)

Gene: MSH6 (mutS homolog 6; plus strand). Cytogenetic location: 2p16.3.
Variant type: single nucleotide variant.
Coding change: c.1130A>C on transcript NM_000179.3 (MANE Select); coding-DNA position 1130, A replaced by C.
Protein change: p.Lys377Thr; replaces lysine 377 with threonine.
Molecular consequence: missense variant.
Genome position (GRCh38, 1-based): chr2:47,799,113, A>C. VCF-style: chr2-47799113-A-C. GRCh37 (hg19) VCF-style: chr2-48026252-A-C.
Other names: c.740A>C, p.Lys247Thr (NM_001281492.2); c.224A>C, p.Lys75Thr (NM_001281493.2, NM_001281494.2); short protein forms K377T, K247T, K75T.
Identifiers: ClinVar variation 525646 (VCV000525646.15), dbSNP rs550221570, ClinGen allele CA067191.

ClinVar aggregate classification (germline): Conflicting classifications of pathogenicity. Review status: criteria provided, conflicting classifications (1 of 4 stars). 4 submissions from 4 submitters: Uncertain significance (3); Likely benign (1). Last evaluated 2024-08-13.

Conditions:
Hereditary nonpolyposis colorectal neoplasms. Identifiers: MedGen C0009405, MeSH D003123.
Hereditary cancer-predisposing syndrome. Also called: Neoplastic Syndromes, Hereditary; Tumor predisposition; Hereditary Cancer Syndrome; Hereditary neoplastic syndrome. Identifiers: Orphanet 140162, MedGen C0027672, MeSH D009386, MONDO:0015356.
Lynch syndrome. Identifiers: Orphanet 144, MedGen C4552100, MONDO:0005835. Disease mechanism: loss of function.

Allele frequency attached by ClinVar (database versions not stated): gnomAD exomes below 0.00001; ExAC 0.00001; gnomAD 0.00001; 1000 Genomes Project 0.00020; 1000 Genomes Project 30x 0.00031.
gnomAD v4.1: 2 of 1,614,132 alleles (0.00012%); highest among the groups gnomAD compares: East Asian, 0.0045%; no homozygotes.

Submissions (4):

Labcorp Genetics (formerly Invitae), Labcorp
Classification: Likely benign for Hereditary nonpolyposis colorectal neoplasms. Last evaluated: 2024-08-13. Review status: criteria provided, single submitter. Criteria: Invitae Variant Classification Sherloc (09022015). Collection method: clinical testing. Allele origin: germline.

All of Us Research Program, National Institutes of Health
Classification: Uncertain significance for Lynch syndrome. Last evaluated: 2023-12-13. Review status: criteria provided, single submitter. Criteria: ACMG Guidelines, 2015. Collection method: clinical testing. Allele origin: germline. Inheritance: Autosomal dominant inheritance. Observed: 1 variant allele, 1 heterozygote.
Comment: This missense variant replaces lysine with threonine at codon 377 of the MSH6 protein. Computational prediction is inconclusive regarding the impact of this variant on protein structure and function (internally defined REVEL score threshold 0.5 < inconclusive < 0.7, PMID: 27666373). To our knowledge, functional studies have not been reported for this variant. This variant has not been reported in individuals affected with MSH6-related disorders in the literature. This variant has been identified in 1/250966 chromosomes in the general population by the Genome Aggregation Database (gnomAD). The available evidence is insufficient to determine the role of this variant in disease conclusively. Therefore, this variant is classified as a Variant of Uncertain Significance.

This study involves interpretation of variants in research participants for the purpose of population health screening. Participant phenotype was not available at the time of variant classification. Additional details can be found in publication PMID: 35346344, PMCID: PMC8962531

GeneDx
Classification: Uncertain significance. Last evaluated: 2022-07-12. Review status: criteria provided, single submitter. Criteria: GeneDx Variant Classification Process June 2021. Collection method: clinical testing. Allele origin: germline. Affected: yes.
Comment: Not observed at significant frequency in large population cohorts (gnomAD); In silico analysis supports that this missense variant has a deleterious effect on protein structure/function; Has not been previously published as pathogenic or benign to our knowledge; This variant is associated with the following publications: (PMID: 17531815, 21120944)

Ambry Genetics
Classification: Uncertain significance for Hereditary cancer-predisposing syndrome. Last evaluated: 2021-08-13. Review status: criteria provided, single submitter. Criteria: Ambry Variant Classification Scheme 2023. Collection method: clinical testing. Allele origin: germline.
Comment: The p.K377T variant (also known as c.1130A>C), located in coding exon 4 of the MSH6 gene, results from an A to C substitution at nucleotide position 1130. The lysine at codon 377 is replaced by threonine, an amino acid with similar properties. This amino acid position is highly conserved in available vertebrate species. In addition, the in silico prediction for this alteration is inconclusive. Since supporting evidence is limited at this time, the clinical significance of this alteration remains unclear.